The following is an entry in ClinVar:

ClinVar aggregate classification (germline): Uncertain significance (1 of 4 stars; one submission).

Conditions:
Muscular dystrophy-dystroglycanopathy type B6 (MDDGB6). Also called: MUSCULAR DYSTROPHY-DYSTROGLYCANOPATHY (CONGENITAL WITH IMPAIRED INTELLECTUAL DEVELOPMENT), TYPE B, 6; MUSCULAR DYSTROPHY, CONGENITAL, LARGE-RELATED; MUSCULAR DYSTROPHY, CONGENITAL, TYPE 1D. Identifiers: MedGen C1837229, MONDO:0012138, OMIM 608840.

gnomAD v4.1: 3 of 1,614,024 alleles (0.00019%); highest among the groups gnomAD compares: Admixed American, 0.0017%; no homozygotes.

Submission:

Labcorp Genetics (formerly Invitae), Labcorp
Classification: Uncertain significance for Muscular dystrophy-dystroglycanopathy type B6. Last evaluated: 2024-08-09. Review status: criteria provided, single submitter. Criteria: Invitae Variant Classification Sherloc (09022015). Collection method: clinical testing. Allele origin: germline.
Comment: This sequence change replaces threonine, which is neutral and polar, with alanine, which is neutral and non-polar, at codon 108 of the LARGE1 protein (p.Thr108Ala). This variant is not present in population databases (gnomAD no frequency). This variant has not been reported in the literature in individuals affected with LARGE1-related conditions. An algorithm developed to predict the effect of missense changes on protein structure and function (PolyPhen-2) suggests that this variant is likely to be tolerated. In summary, the available evidence is currently insufficient to determine the role of this variant in disease. Therefore, it has been classified as a Variant of Uncertain Significance.

NM_133642.5(LARGE1):c.322A>G (p.Thr108Ala)

Gene: LARGE1 (LARGE xylosyl- and glucuronyltransferase 1; minus strand). Cytogenetic location: 22q12.3.
Variant type: single nucleotide variant.
Coding change: c.322A>G on transcript NM_133642.5 (MANE Select); coding-DNA position 322, A replaced by G.
Protein change: p.Thr108Ala; replaces threonine 108 with alanine.
Molecular consequence: missense variant.
Genome position (GRCh38, 1-based): chr22:33,650,453, T>C on the plus strand (A>G on the coding strand, the complement: LARGE1 is on the minus strand). VCF-style: chr22-33650453-T-C. GRCh37 (hg19) VCF-style: chr22-34046439-T-C.
Other names: c.322A>G, p.Thr108Ala (NM_001362949.2, NM_001362951.2, NM_001362953.2 and 7 more transcripts); short protein forms T108A.
Identifiers: ClinVar variation 3696899 (VCV003696899.2).